The following is an entry in ClinVar:

ClinVar aggregate classification (germline): Likely benign. Review status: criteria provided, multiple submitters, no conflicts (2 of 4 stars). 3 submissions from 3 submitters: Likely benign (2). 1 of the submissions does not count toward it. Last evaluated 2025-12-08.

Conditions:
SEMA3E-related disorder. Also called: SEMA3E-related condition.
CHARGE syndrome (CHARGE). Also called: Hittner Hirsch Kreh syndrome; CHARGE ASSOCIATION--COLOBOMA, HEART ANOMALY, CHOANAL ATRESIA, RETARDATION, GENITAL AND EAR ANOMALIES; Coloboma, heart anomaly, choanal atresia, retardation, genital and ear anomalies; CHARGE association; Hall-Hittner syndrome. Identifiers: Orphanet 138, MedGen C0265354, MONDO:0008965.

Allele frequency attached by ClinVar (database versions not stated): ExAC 0.00002; gnomAD exomes 0.00003.
gnomAD v4.1: 19 of 1,613,176 alleles (0.0012%); highest among the groups gnomAD compares: Admixed American, 0.032%; no homozygotes.

Submissions (3):

Labcorp Genetics (formerly Invitae), Labcorp
Classification: Likely benign for CHARGE syndrome. Last evaluated: 2025-12-08. Review status: criteria provided, single submitter. Criteria: Invitae Variant Classification Sherloc (09022015). Collection method: clinical testing. Allele origin: germline.

Blueprint Genetics
Classification: Likely benign. Last evaluated: 2021-04-22. Review status: criteria provided, single submitter. Criteria: ACMG Guidelines, 2015. Collection method: clinical testing. Allele origin: germline.

PreventionGenetics, part of Exact Sciences
Classification: Likely benign for SEMA3E-related condition. Last evaluated: 2021-06-30. Review status: no assertion criteria provided. Collection method: clinical testing. Allele origin: germline. Not counted in ClinVar's aggregate classification.
Comment: This variant is classified as likely benign based on ACMG/AMP sequence variant interpretation guidelines (Richards et al. 2015 PMID: 25741868, with internal and published modifications).

NM_012431.3(SEMA3E):c.1857T>G (p.Arg619=)

Gene: SEMA3E (semaphorin 3E; minus strand). Cytogenetic location: 7q21.11.
Variant type: single nucleotide variant.
Coding change: c.1857T>G on transcript NM_012431.3 (MANE Select); coding-DNA position 1857, T replaced by G.
Protein change: p.Arg619=; no amino-acid change (arginine 619 retained).
Molecular consequence: synonymous variant.
Genome position (GRCh38, 1-based): chr7:83,385,312, A>C on the plus strand (T>G on the coding strand, the complement: SEMA3E is on the minus strand). VCF-style: chr7-83385312-A-C. GRCh37 (hg19) VCF-style: chr7-83014628-A-C.
Other names: c.1677T>G, p.Arg559= (NM_001178129.2); c.1857T>G (NM_012431.2).
Identifiers: ClinVar variation 2070684 (VCV002070684.7), dbSNP rs762483567, ClinGen allele CA4321885.